The following is an entry in ClinVar:

NM_000384.3(APOB):c.151A>C (p.Lys51Gln)

Genes: APOB (apolipoprotein B; minus strand), LOC106560211 (APOB 5' regulatory region; plus strand). Cytogenetic location: 2p24.1.
Variant type: single nucleotide variant.
Coding change: c.151A>C on transcript NM_000384.3 (MANE Select); coding-DNA position 151, A replaced by C.
Protein change: p.Lys51Gln; replaces lysine 51 with glutamine.
Molecular consequence: missense variant.
Genome position (GRCh38, 1-based): chr2:21,042,447, T>G on the plus strand (A>C on the coding strand, the complement: APOB is on the minus strand). VCF-style: chr2-21042447-T-G. GRCh37 (hg19) VCF-style: chr2-21265319-T-G.
Other names: short protein forms K51Q.
Identifiers: ClinVar variation 864531 (VCV000864531.9), dbSNP rs1664155102, ClinGen allele CA345965241.
Genomic context (GRCh38, chr2:21,042,447, plus strand): 5'-TTGAATCAGCAGTCCCAGGGACTCCACTGGAACTCTCAGCCTCATAGTTGTATGTGTACT[T>G]CCGGAGGTGCTTGAATCGGGTCGCATCTTCTAACGTGGGGAGAAATACGTCAGCCACATA-3'
Protein context (NP_000375.3, residues 41-61): KDATRFKHLR[Lys51Gln]YTYNYEAESS

ClinVar aggregate classification (germline): Uncertain significance (1 of 4 stars; one submission).

Conditions:
Familial hypobetalipoproteinemia 1. Also called: Hypobetalipoproteinemia, normotriglyceridemic; Acanthocytosis with hypobetalipoproteinemia; APOB-Related Familial Hypobetalipoproteinemia. Identifiers: MedGen C4551990, MONDO:0014252, OMIM 615558.
Hypercholesterolemia, autosomal dominant, type B (FHCL2). Also called: APOLIPOPROTEIN B-100, FAMILIAL DEFECTIVE; APOLIPOPROTEIN B-100, FAMILIAL LIGAND-DEFECTIVE; HYPERCHOLESTEROLEMIA, FAMILIAL, DUE TO LIGAND-DEFECTIVE APOLIPOPROTEIN B; Hyperlipoproteinemia Type IIb; Familial hypercholesterolemia 2; APOB-Related Familial Hypercholesterolemia, Autosomal Dominant. Identifiers: MedGen C1704417, MONDO:0007751, OMIM 144010.

Submission:

Labcorp Genetics (formerly Invitae), Labcorp
Classification: Uncertain significance for Familial hypobetalipoproteinemia 1; Hypercholesterolemia, autosomal dominant, type B. Last evaluated: 2021-08-31. Review status: criteria provided, single submitter. Criteria: Invitae Variant Classification Sherloc (09022015). Collection method: clinical testing. Allele origin: germline.
Comment: This sequence change replaces lysine with glutamine at codon 51 of the APOB protein (p.Lys51Gln). The lysine residue is moderately conserved and there is a small physicochemical difference between lysine and glutamine. This variant is not present in population databases (ExAC no frequency). This variant has not been reported in the literature in individuals affected with APOB-related conditions. Algorithms developed to predict the effect of missense changes on protein structure and function are either unavailable or do not agree on the potential impact of this missense change (SIFT: "Deleterious"; PolyPhen-2: "Possibly Damaging"; Align-GVGD: "Class C0"). In summary, the available evidence is currently insufficient to determine the role of this variant in disease. Therefore, it has been classified as a Variant of Uncertain Significance.